The following is an entry in ClinVar:

ClinVar aggregate classification (germline): Uncertain significance (1 of 4 stars; one submission).

Conditions:
Facioscapulohumeral muscular dystrophy 2 (FSHD2). Also called: MUSCULAR DYSTROPHY, FACIOSCAPULOHUMERAL, TYPE 1B; FACIOSCAPULOHUMERAL MUSCULAR DYSTROPHY 2, DIGENIC; FSHD2, DIGENIC. Identifiers: Orphanet 269, MedGen C1834671, MONDO:0008031, OMIM 158901.

Allele frequency attached by ClinVar (database versions not stated): gnomAD exomes below 0.00001; TOPMed below 0.00001.
gnomAD v4.1: 6 of 1,610,860 alleles (0.00037%); highest among the groups gnomAD compares: Non-Finnish European, 0.00051%; no homozygotes.

Submission:

Labcorp Genetics (formerly Invitae), Labcorp
Classification: Uncertain significance for Facioscapulohumeral muscular dystrophy 2. Last evaluated: 2022-03-03. Review status: criteria provided, single submitter. Criteria: Invitae Variant Classification Sherloc (09022015). Collection method: clinical testing. Allele origin: germline.
Comment: In summary, the available evidence is currently insufficient to determine the role of this variant in disease. Therefore, it has been classified as a Variant of Uncertain Significance. Algorithms developed to predict the effect of missense changes on protein structure and function (SIFT, PolyPhen-2, Align-GVGD) all suggest that this variant is likely to be tolerated. This variant has not been reported in the literature in individuals affected with SMCHD1-related conditions. This variant is not present in population databases (gnomAD no frequency). This sequence change replaces asparagine, which is neutral and polar, with threonine, which is neutral and polar, at codon 1372 of the SMCHD1 protein (p.Asn1372Thr).

NM_015295.3(SMCHD1):c.4115A>C (p.Asn1372Thr)

Gene: SMCHD1 (structural maintenance of chromosomes flexible hinge domain containing 1; plus strand). Cytogenetic location: 18p11.32.
Variant type: single nucleotide variant.
Coding change: c.4115A>C on transcript NM_015295.3 (MANE Select); coding-DNA position 4115, A replaced by C.
Protein change: p.Asn1372Thr; replaces asparagine 1372 with threonine.
Molecular consequence: missense variant.
Genome position (GRCh38, 1-based): chr18:2,750,457, A>C. VCF-style: chr18-2750457-A-C. GRCh37 (hg19) VCF-style: chr18-2750455-A-C.
Other names: short protein forms N1372T.
Identifiers: ClinVar variation 1449624 (VCV001449624.8), dbSNP rs538621932, ClinGen allele CA401692190.